The following is an entry in ClinVar:

NM_181703.4(GJA5):c.30C>G (p.Phe10Leu)

Gene: GJA5 (gap junction protein alpha 5; minus strand). Cytogenetic location: 1q21.2.
Variant type: single nucleotide variant.
Coding change: c.30C>G on transcript NM_181703.4 (MANE Select); coding-DNA position 30, C replaced by G.
Protein change: p.Phe10Leu; replaces phenylalanine 10 with leucine.
Molecular consequence: missense variant.
Genome position (GRCh38, 1-based): chr1:147,759,209, G>C on the plus strand (C>G on the coding strand, the complement: GJA5 is on the minus strand). VCF-style: chr1-147759209-G-C. GRCh37 (hg19) VCF-style: chr1-147231317-G-C.
Other names: c.30C>G, p.Phe10Leu (NM_005266.7); short protein forms F10L.
Identifiers: ClinVar variation 3754676 (VCV003754676.2).

ClinVar aggregate classification (germline): Uncertain significance (1 of 4 stars; one submission).

Conditions:
Atrial fibrillation, familial, 11 (ATFB11). Identifiers: MedGen C3279693, MONDO:0013544, OMIM 614049.
Atrial standstill 1 (ATRST1). Also called: ATRIAL CARDIOMYOPATHY WITH HEART BLOCK; CARDIOMYOPATHY, FAMILIAL, WITH CONDUCTION DISTURBANCE; Atrial standstill, digenic (GJA5/SCN5A). Identifiers: Orphanet 1344, MedGen C4551959, MONDO:0007171, OMIM 108770.

Submission:

Labcorp Genetics (formerly Invitae), Labcorp
Classification: Uncertain significance for Atrial fibrillation, familial, 11; Atrial standstill 1. Last evaluated: 2024-02-15. Review status: criteria provided, single submitter. Criteria: Invitae Variant Classification Sherloc (09022015). Collection method: clinical testing. Allele origin: germline.
Comment: This sequence change replaces phenylalanine, which is neutral and non-polar, with leucine, which is neutral and non-polar, at codon 10 of the GJA5 protein (p.Phe10Leu). This variant is not present in population databases (gnomAD no frequency). This variant has not been reported in the literature in individuals affected with GJA5-related conditions. Advanced modeling of protein sequence and biophysical properties (such as structural, functional, and spatial information, amino acid conservation, physicochemical variation, residue mobility, and thermodynamic stability) performed at Invitae indicates that this missense variant is not expected to disrupt GJA5 protein function with a negative predictive value of 80%. In summary, the available evidence is currently insufficient to determine the role of this variant in disease. Therefore, it has been classified as a Variant of Uncertain Significance.